The following is an entry in ClinVar:

NM_001130021.3(ATP6V0A1):c.1922T>C (p.Val641Ala)

Gene: ATP6V0A1 (ATPase H+ transporting V0 subunit a1; plus strand). Cytogenetic location: 17q21.2.
Variant type: single nucleotide variant.
Coding change: c.1922T>C on transcript NM_001130021.3 (MANE Select); coding-DNA position 1922, T replaced by C.
Protein change: p.Val641Ala; replaces valine 641 with alanine.
Molecular consequence: missense variant.
Genome position (GRCh38, 1-based): chr17:42,501,222, T>C. VCF-style: chr17-42501222-T-C. GRCh37 (hg19) VCF-style: chr17-40653240-T-C.
Other names: c.2066T>C, p.Val689Ala (NM_001378532.1, NM_001378531.1); c.2045T>C, p.Val682Ala (NM_001378533.1, NM_001378551.1, NM_001378552.1 and 1 more transcripts); c.1943T>C, p.Val648Ala (NM_001378534.1, NM_001378539.1, NM_001130020.3 and 3 more transcripts); c.1922T>C, p.Val641Ala (NM_001378535.1, NM_001378537.1, NM_001378557.1 and 3 more transcripts); c.1814T>C, p.Val605Ala (NM_001378536.1, NM_001378556.1, NM_001378550.1); c.1793T>C, p.Val598Ala (NM_001378538.1, NM_001378540.1); c.1712T>C, p.Val571Ala (NM_001378554.1, NM_001378545.1); c.1763T>C, p.Val588Ala (NM_001378543.1); and 3 more; short protein forms V559A, V570A, V588A, V682A, V571A, V581A, V598A, V605A.
Identifiers: ClinVar variation 4935238 (VCV004935238.2).
Genomic context (GRCh38, chr17:42,501,222, plus strand): 5'-ATATGATGTACCTTGTCCTTCTTCTTACTCTGCAGAAAGGAATTCAGTGTTTCCTGGTAG[T>C]GGTTGCACTACTGTGTGTACCTTGGATGCTGCTGTTTAAACCATTGGTCCTTCGCCGTCA-3'
Protein context (NP_001123493.1, residues 631-651): GQKGIQCFLV[Val641Ala]VALLCVPWML

ClinVar aggregate classification (germline): Likely benign. Review status: criteria provided, multiple submitters, no conflicts (2 of 4 stars). 2 submissions from 2 submitters: Likely benign (2). Last evaluated 2026-09-01.

gnomAD v4.1: 1,135 of 1,613,924 alleles (0.07%); highest among the groups gnomAD compares: Admixed American, 0.7%; 5 homozygotes.

Submissions (2):

CeGaT Center for Human Genetics Tuebingen
Classification: Likely benign. Last evaluated: 2026-09-01. Review status: criteria provided, single submitter. Criteria: CeGaT Center For Human Genetics Tuebingen Variant Classification Criteria Version 2. Collection method: clinical testing. Allele origin: germline. Affected: yes. Observed: 1 variant allele.
Comment: ATP6V0A1: BS2

Blueprint Genetics
Classification: Likely benign. Last evaluated: 2024-11-26. Review status: criteria provided, single submitter. Criteria: ACMG Guidelines, 2015. Collection method: clinical testing. Allele origin: germline.